The following is an entry in ClinVar:

ClinVar aggregate classification (germline): Uncertain significance (1 of 4 stars; one submission).

Conditions:
Congenital contractural arachnodactyly (CCA). Also called: BEALS SYNDROME; Arthrogryposis, distal, type 9; Beals-Hecht syndrome. Identifiers: Orphanet 115, MedGen C0220668, MONDO:0007363, OMIM 121050.

gnomAD v4.1: 3 of 1,577,214 alleles (0.00019%); highest among the groups gnomAD compares: Non-Finnish European, 0.00026%; no homozygotes.

Submission:

Labcorp Genetics (formerly Invitae), Labcorp
Classification: Uncertain significance for Congenital contractural arachnodactyly. Last evaluated: 2024-06-29. Review status: criteria provided, single submitter. Criteria: Invitae Variant Classification Sherloc (09022015). Collection method: clinical testing. Allele origin: germline.
Comment: This sequence change replaces glutamine, which is neutral and polar, with histidine, which is basic and polar, at codon 31 of the FBN2 protein (p.Gln31His). This variant is not present in population databases (gnomAD no frequency). This variant has not been reported in the literature in individuals affected with FBN2-related conditions. ClinVar contains an entry for this variant (Variation ID: 565354). Advanced modeling of protein sequence and biophysical properties (such as structural, functional, and spatial information, amino acid conservation, physicochemical variation, residue mobility, and thermodynamic stability) performed at Invitae indicates that this missense variant is not expected to disrupt FBN2 protein function with a negative predictive value of 95%. In summary, the available evidence is currently insufficient to determine the role of this variant in disease. Therefore, it has been classified as a Variant of Uncertain Significance.

NM_001999.4(FBN2):c.93G>C (p.Gln31His)

Gene: FBN2 (fibrillin 2; minus strand). Cytogenetic location: 5q23.3.
Variant type: single nucleotide variant.
Coding change: c.93G>C on transcript NM_001999.4 (MANE Select); coding-DNA position 93, G replaced by C.
Protein change: p.Gln31His; replaces glutamine 31 with histidine.
Molecular consequence: missense variant.
Genome position (GRCh38, 1-based): chr5:128,537,511, C>G on the plus strand (G>C on the coding strand, the complement: FBN2 is on the minus strand). VCF-style: chr5-128537511-C-G. GRCh37 (hg19) VCF-style: chr5-127873204-C-G.
Other names: short protein forms Q31H.
Identifiers: ClinVar variation 565354 (VCV000565354.9), dbSNP rs371491169, ClinGen allele CA360762942.
Genomic context (GRCh38, chr5:128,537,511, plus strand): 5'-TGTAGCGGACCGAACCTGTTGCGGCGGCGGCTGGGGCCGGGGCGGCTTGGGCGGAGGAGG[C>G]TGAGGCTGGCCGGCCGTGCCCTGCGCCCAGAGCACCACACAGCCCAGCCACAGGAAGTAG-3'
Protein context (NP_001990.2, residues 21-41): LWAQGTAGQP[Gln31His]PPPPKPPRPQ